The following is an entry in ClinVar:

NM_007194.4(CHEK2):c.1259+19_1259+20insAAGAAATATTTTCATTGGGTCTCCCTCTCCCTCTCCCGTCTCCCTCTCCCTCTCCCGTCTCCCTCTCCCTCTCCCGTCTCCCTCTCCCTCNNNNNNNNNNAAAAAAAAAAAAAAAAAAAA

Gene: CHEK2 (checkpoint kinase 2; minus strand). Cytogenetic location: 22q12.1.
Variant type: Insertion.
Coding change: c.1259+19_1259+20insAAGAAATATTTTCATTGGGTCTCCCTCTCCCTCTCCCGTCTCCCTCTCCCTCTCCCGTCTCCCTCTCCCTCTCCCGTCTCCCTCTCCCTCNNNNNNNNNNAAAAAAAAAAAAAAAAAAAA on transcript NM_007194.4 (MANE Select); bases 19 to 20 of the intron after coding-DNA position 1259, AAGAAATATTTTCATTGGGTCTCCCTCTCCCTCTCCCGTCTCCCTCTCCCTCTCCCGTCTCCCTCTCCCTCTCCCGTCTCCCTCTCCCTCNNNNNNNNNNAAAAAAAAAAAAAAAAAAAA inserted.
Molecular consequence: intron variant.
Genome position: GRCh38: chr22:28,695,707-28,695,708. GRCh37 (hg19): chr22:29,091,695-29,091,696.
Other names: c.596+19_596+20insAAGAAATATTTTCATTGGGTCTCCCTCTCCCTCTCCCGTCTCCCTCTCCCTCTCCCGTCTCCCTCTCCCTCTCCCGTCTCCCTCTCCCTCNNNNNNNNNNAAAAAAAAAAAAAAAAAAAA (NM_001437942.1, NM_001257387.3); c.1058+19_1058+20insAAGAAATATTTTCATTGGGTCTCCCTCTCCCTCTCCCGTCTCCCTCTCCCTCTCCCGTCTCCCTCTCCCTCTCCCGTCTCCCTCTCCCTCNNNNNNNNNNAAAAAAAAAAAAAAAAAAAA (NM_001349956.3); c.1172+19_1172+20insAAGAAATATTTTCATTGGGTCTCCCTCTCCCTCTCCCGTCTCCCTCTCCCTCTCCCGTCTCCCTCTCCCTCTCCCGTCTCCCTCTCCCTCNNNNNNNNNNAAAAAAAAAAAAAAAAAAAA (NM_145862.3); c.1265+19_1265+20insAAGAAATATTTTCATTGGGTCTCCCTCTCCCTCTCCCGTCTCCCTCTCCCTCTCCCGTCTCCCTCTCCCTCTCCCGTCTCCCTCTCCCTCNNNNNNNNNNAAAAAAAAAAAAAAAAAAAA (NM_001438295.1); c.1352+19_1352+20insAAGAAATATTTTCATTGGGTCTCCCTCTCCCTCTCCCGTCTCCCTCTCCCTCTCCCGTCTCCCTCTCCCTCTCCCGTCTCCCTCTCCCTCNNNNNNNNNNAAAAAAAAAAAAAAAAAAAA (NM_001438293.1); c.1301+19_1301+20insAAGAAATATTTTCATTGGGTCTCCCTCTCCCTCTCCCGTCTCCCTCTCCCTCTCCCGTCTCCCTCTCCCTCTCCCGTCTCCCTCTCCCTCNNNNNNNNNNAAAAAAAAAAAAAAAAAAAA (NM_001438294.1); c.1388+19_1388+20insAAGAAATATTTTCATTGGGTCTCCCTCTCCCTCTCCCGTCTCCCTCTCCCTCTCCCGTCTCCCTCTCCCTCTCCCGTCTCCCTCTCCCTCNNNNNNNNNNAAAAAAAAAAAAAAAAAAAA (NM_001005735.3).
Identifiers: ClinVar variation 2109318 (VCV002109318.4), dbSNP rs2517803290.

ClinVar aggregate classification (germline): Uncertain significance (1 of 4 stars; one submission).

Conditions:
Familial cancer of breast. Also called: hereditary breast carcinoma; BREAST CANCER, FAMILIAL; Hereditary breast cancer. Identifiers: Orphanet 227535, MedGen C0346153, MONDO:0016419, OMIM 114480. Disease mechanism: loss of function.

Submission:

Labcorp Genetics (formerly Invitae), Labcorp
Classification: Uncertain significance for Familial cancer of breast. Last evaluated: 2025-04-14. Review status: criteria provided, single submitter. Criteria: Invitae Variant Classification Sherloc (09022015). Collection method: clinical testing. Allele origin: germline.
Comment: This sequence change affects the donor splice site and inserts a large fragment of DNA, likely a transposable element, in intron 11 of the CHEK2 gene. This variant is not present in population databases (gnomAD no frequency). This variant has not been reported in the literature in individuals affected with CHEK2-related conditions. ClinVar contains an entry for this variant (Variation ID: 2109318). Experimental studies and prediction algorithms are not available or were not evaluated, and the effect of this variant on mRNA splicing is currently unknown. In summary, the available evidence is currently insufficient to determine the role of this variant in disease. Therefore, it has been classified as a Variant of Uncertain Significance.